The following is an entry in ClinVar:

NM_003742.4(ABCB11):c.1943G>A (p.Gly648Asp)

Gene: ABCB11 (ATP binding cassette subfamily B member 11; minus strand). Cytogenetic location: 2q31.1.
Variant type: single nucleotide variant.
Coding change: c.1943G>A on transcript NM_003742.4 (MANE Select); coding-DNA position 1943, G replaced by A.
Protein change: p.Gly648Asp; replaces glycine 648 with aspartic acid.
Molecular consequence: missense variant.
Genome position (GRCh38, 1-based): chr2:168,969,418, C>T on the plus strand (G>A on the coding strand, the complement: ABCB11 is on the minus strand). VCF-style: chr2-168969418-C-T. GRCh37 (hg19) VCF-style: chr2-169825928-C-T.
Other names: short protein forms G648D.
Identifiers: ClinVar variation 2671684 (VCV002671684.1), dbSNP rs2545379670, ClinGen allele CA349112121.

ClinVar aggregate classification (germline): Uncertain significance (1 of 4 stars; one submission).

Conditions:
Progressive familial intrahepatic cholestasis type 2. Identifiers: Orphanet 79304, MedGen C3489789, MONDO:0011156, OMIM 601847.

Submission:

Neuberg Centre For Genomic Medicine, NCGM
Classification: Uncertain significance for Progressive familial intrahepatic cholestasis type 2. Last evaluated: 2023-03-01. Review status: criteria provided, single submitter. Criteria: ACMG Guidelines, 2015. Collection method: clinical testing. Allele origin: germline. Inheritance: Autosomal recessive inheritance. Affected: yes.
Comment: The missense variant c.1943G>A(p.Gly648Asp) in ABCB11 gene has not been reported previously as a pathogenic variant nor as a benign variant, to our knowledge. The variant is novel (not in any individuals) in gnomAD Exomes and 1000 Genomes. The amino acid Glycine at position 648 is changed to a Aspartic acid changing protein sequence and it might alter its composition and physico-chemical properties. The amino acid change p.Gly648Asp in ABCB11 is predicted as conserved by GERP++ and PhyloP across 100 vertebrates. The variant is predicted to be damaging by SIFT. For these reasons, this variant has been classified as Uncertain Significance.